The following is an entry in ClinVar:

ClinVar aggregate classification (germline): Uncertain significance (1 of 4 stars; one submission).

Conditions:
Vici syndrome (VICIS). Identifiers: Orphanet 1493, MedGen C1855772, MONDO:0009452, OMIM 242840.

Submission:

Labcorp Genetics (formerly Invitae), Labcorp
Classification: Uncertain significance for Vici syndrome. Last evaluated: 2022-03-23. Review status: criteria provided, single submitter. Criteria: Invitae Variant Classification Sherloc (09022015). Collection method: clinical testing. Allele origin: germline.
Comment: Algorithms developed to predict the effect of missense changes on protein structure and function are either unavailable or do not agree on the potential impact of this missense change (SIFT: "Deleterious"; PolyPhen-2: "Probably Damaging"; Align-GVGD: "Class C0"). This variant has not been reported in the literature in individuals affected with EPG5-related conditions. This variant is not present in population databases (gnomAD no frequency). This sequence change replaces histidine, which is basic and polar, with arginine, which is basic and polar, at codon 916 of the EPG5 protein (p.His916Arg). In summary, the available evidence is currently insufficient to determine the role of this variant in disease. Therefore, it has been classified as a Variant of Uncertain Significance.

NM_020964.3(EPG5):c.2747A>G (p.His916Arg)

Gene: EPG5 (ectopic P-granules 5 autophagy tethering factor; minus strand). Cytogenetic location: 18q21.1.
Variant type: single nucleotide variant.
Coding change: c.2747A>G on transcript NM_020964.3 (MANE Select); coding-DNA position 2747, A replaced by G.
Protein change: p.His916Arg; replaces histidine 916 with arginine.
Molecular consequence: missense variant.
Genome position (GRCh38, 1-based): chr18:45,923,359, T>C on the plus strand (A>G on the coding strand, the complement: EPG5 is on the minus strand). VCF-style: chr18-45923359-T-C. GRCh37 (hg19) VCF-style: chr18-43503325-T-C.
Other names: c.2747A>G, p.His916Arg (NM_001410858.1, NM_001410859.1); short protein forms H916R.
Identifiers: ClinVar variation 1979046 (VCV001979046.4), dbSNP rs2511869020, ClinGen allele CA402345303.
Genomic context (GRCh38, chr18:45,923,359, plus strand): 5'-TATGGCTTCTGTGCAAGGTACTTCTGATAAGCTTCAAGAACCATTAAAGCCACTTCAGCA[T>C]GGACTGCTTGATCCAGATGAAGGGTAGCCTTTTAAAGAGAAAAATAATCACAAACATACA-3'
Protein context (NP_066015.2, residues 906-926): QATLHLDQAV[His916Arg]AEVALMVLEA